The following is an entry in ClinVar:

ClinVar aggregate classification (germline): Pathogenic. Review status: criteria provided, multiple submitters, no conflicts (2 of 4 stars). 2 submissions from 2 submitters: Pathogenic (2). Last evaluated 2026-06-01.

Conditions:
Multiple congenital exostosis (EXT). Also called: Multiple exostoses; Hereditary multiple osteochondromas; Multiple osteochondromas; MULTIPLE CARTILAGINOUS EXOSTOSES; Hereditary multiple exostoses; Hereditary multiple exostosis. Identifiers: Orphanet 321, MedGen C0015306, MONDO:0005508, HP:0002762.

Submissions (2):

CeGaT Center for Human Genetics Tuebingen
Classification: Pathogenic. Last evaluated: 2026-06-01. Review status: criteria provided, single submitter. Criteria: CeGaT Center For Human Genetics Tuebingen Variant Classification Criteria Version 2. Collection method: clinical testing. Allele origin: germline. Affected: yes. Observed: 1 variant allele.
Comment: EXT1: PVS1, PM2, PS4:Moderate

Labcorp Genetics (formerly Invitae), Labcorp
Classification: Pathogenic for Multiple congenital exostosis. Last evaluated: 2025-03-11. Review status: criteria provided, single submitter. Criteria: Invitae Variant Classification Sherloc (09022015). Collection method: clinical testing. Allele origin: germline.
Comment: This sequence change creates a premature translational stop signal (p.Gln508*) in the EXT1 gene. It is expected to result in an absent or disrupted protein product. Loss-of-function variants in EXT1 are known to be pathogenic (PMID: 10679937, 11391482, 19810120). This variant is not present in population databases (gnomAD no frequency). This premature translational stop signal has been observed in individual(s) with multiple osteochondromas (PMID: 29529714). ClinVar contains an entry for this variant (Variation ID: 1455161). For these reasons, this variant has been classified as Pathogenic.

Literature cited by the submitters: PubMed 10679937 (cited by Labcorp Genetics (formerly Invitae), Labcorp); PubMed 11391482 (cited by Labcorp Genetics (formerly Invitae), Labcorp); PubMed 19810120 (cited by Labcorp Genetics (formerly Invitae), Labcorp); PubMed 29529714 (cited by Labcorp Genetics (formerly Invitae), Labcorp).

NM_000127.3(EXT1):c.1522C>T (p.Gln508Ter)

Gene: EXT1 (exostosin glycosyltransferase 1; minus strand). Cytogenetic location: 8q24.11.
Variant type: single nucleotide variant.
Coding change: c.1522C>T on transcript NM_000127.3 (MANE Select); coding-DNA position 1522, C replaced by T.
Protein change: p.Gln508Ter; replaces glutamine 508 with a stop codon.
Molecular consequence: nonsense.
Genome position (GRCh38, 1-based): chr8:117,819,690, G>A on the plus strand (C>T on the coding strand, the complement: EXT1 is on the minus strand). VCF-style: chr8-117819690-G-A. GRCh37 (hg19) VCF-style: chr8-118831929-G-A.
Other names: short protein forms Q508*.
Identifiers: ClinVar variation 1455161 (VCV001455161.8), dbSNP rs2129740737, ClinGen allele CA371884568.